The following is an entry in ClinVar:

NM_022817.3(PER2):c.1775+4T>C

Gene: PER2 (period circadian regulator 2; minus strand). Cytogenetic location: 2q37.3.
Variant type: single nucleotide variant.
Coding change: c.1775+4T>C on transcript NM_022817.3 (MANE Select); 4 bases into the intron after coding-DNA position 1775, T replaced by C.
Molecular consequence: intron variant.
Genome position (GRCh38, 1-based): chr2:238,258,493, A>G on the plus strand (T>C on the coding strand, the complement: PER2 is on the minus strand). VCF-style: chr2-238258493-A-G. GRCh37 (hg19) VCF-style: chr2-239167134-A-G.
Identifiers: ClinVar variation 3035744 (VCV003035744.2), dbSNP rs74441481, ClinGen allele CA766682993.

ClinVar aggregate classification (germline): Likely benign (0 of 4 stars; one submission).

Conditions:
PER2-related disorder. Also called: PER2-related condition.

gnomAD v4.1: 7 of 1,614,190 alleles (0.00043%); highest among the groups gnomAD compares: Non-Finnish European, 0.00051%; no homozygotes.

Submission:

PreventionGenetics, part of Exact Sciences
Classification: Likely benign for PER2-related condition. Last evaluated: 2019-08-06. Review status: no assertion criteria provided. Collection method: clinical testing. Allele origin: germline.
Comment: This variant is classified as likely benign based on ACMG/AMP sequence variant interpretation guidelines (Richards et al. 2015 PMID: 25741868, with internal and published modifications).